The following is an entry in ClinVar:

ClinVar aggregate classification (germline): Conflicting classifications of pathogenicity. Review status: criteria provided, conflicting classifications (1 of 4 stars). 4 submissions from 4 submitters: Uncertain significance (1); Likely benign (2). 1 of the submissions does not count toward it. Last evaluated 2026-02-02.

Conditions:
GRXCR2-related disorder. Also called: GRXCR2-related condition.

Allele frequency attached by ClinVar (database versions not stated): 1000 Genomes Project 0.00020; 1000 Genomes Project 30x 0.00031; gnomAD exomes 0.00076 and 0.00105; ESP Exome Variant Server 0.00085; gnomAD 0.00091 and 0.00093; TOPMed 0.00105; ExAC 0.00121.
gnomAD v4.1: 1,268 of 1,613,828 alleles (0.079%); highest among the groups gnomAD compares: Middle Eastern, 0.23%; 2 homozygotes.

Submissions (4):

Labcorp Genetics (formerly Invitae), Labcorp
Classification: Likely benign. Last evaluated: 2026-02-02. Review status: criteria provided, single submitter. Criteria: Invitae Variant Classification Sherloc (09022015). Collection method: clinical testing. Allele origin: germline.

Blueprint Genetics
Classification: Likely benign. Last evaluated: 2024-11-12. Review status: criteria provided, single submitter. Criteria: ACMG Guidelines, 2015. Collection method: clinical testing. Allele origin: germline.

Center for Pediatric Genomic Medicine, Children's Mercy Hospital and Clinics
Classification: Uncertain significance. Last evaluated: 2017-01-25. Review status: criteria provided, single submitter. Criteria: ACMG Guidelines, 2015. Collection method: clinical testing. Allele origin: germline.
ClinVar note: Converted during submission from Uncertain Significance to Uncertain significance.

PreventionGenetics, part of Exact Sciences
Classification: Likely benign for GRXCR2-related condition. Last evaluated: 2019-07-17. Review status: no assertion criteria provided. Collection method: clinical testing. Allele origin: germline. Not counted in ClinVar's aggregate classification.
Comment: This variant is classified as likely benign based on ACMG/AMP sequence variant interpretation guidelines (Richards et al. 2015 PMID: 25741868, with internal and published modifications).

NM_001080516.2(GRXCR2):c.220C>G (p.Gln74Glu)

Gene: GRXCR2 (glutaredoxin and cysteine rich domain containing 2; minus strand). Cytogenetic location: 5q32.
Variant type: single nucleotide variant.
Coding change: c.220C>G on transcript NM_001080516.2 (MANE Select); coding-DNA position 220, C replaced by G.
Protein change: p.Gln74Glu; replaces glutamine 74 with glutamic acid.
Molecular consequence: missense variant.
Genome position (GRCh38, 1-based): chr5:145,872,749, G>C on the plus strand (C>G on the coding strand, the complement: GRXCR2 is on the minus strand). VCF-style: chr5-145872749-G-C. GRCh37 (hg19) VCF-style: chr5-145252312-G-C.
Other names: c.220C>G (NM_001080516.1); short protein forms Q74E.
Identifiers: ClinVar variation 377112 (VCV000377112.14), dbSNP rs151087704, ClinGen allele CA3488085.
Genomic context (GRCh38, chr5:145,872,749, plus strand): 5'-AGGCATTACCCTCTCTAAACACACTGATCCTCTGAGCAGTCAGCTTAGGGGAGCACATCT[G>C]GGGCCTGGGGACTTCCCCAGACCCATAAACACCATCCATTGTTTCAAGAGACTCTTGCAG-3'
Protein context (NP_001073985.1, residues 64-84): VYGSGEVPRP[Gln74Glu]MCSPKLTAQR